The following is an entry in ClinVar:

NM_152393.4(KLHL40):c.1280G>A (p.Arg427His)

Gene: KLHL40 (kelch like family member 40; plus strand). Cytogenetic location: 3p22.1.
Variant type: single nucleotide variant.
Coding change: c.1280G>A on transcript NM_152393.4 (MANE Select); coding-DNA position 1280, G replaced by A.
Protein change: p.Arg427His; replaces arginine 427 with histidine.
Molecular consequence: missense variant.
Genome position (GRCh38, 1-based): chr3:42,688,269, G>A. VCF-style: chr3-42688269-G-A. GRCh37 (hg19) VCF-style: chr3-42729761-G-A.
Other names: c.1280G>A (NM_152393.2); short protein forms R427H.
Identifiers: ClinVar variation 2062001 (VCV002062001.4), dbSNP rs796080082, ClinGen allele CA74193055.

ClinVar aggregate classification (germline): Uncertain significance. Review status: criteria provided, multiple submitters, no conflicts (2 of 4 stars). 2 submissions from 2 submitters: Uncertain significance (2). Last evaluated 2025-12-02.

Conditions:
Inborn genetic diseases. Identifiers: MedGen C0950123, MeSH D030342.
Nemaline myopathy 8 (NEM8). Also called: Nemaline myopathy 8, autosomal recessive. Identifiers: Orphanet 171430, MedGen C3809209, MONDO:0014138, OMIM 615348.

Allele frequency attached by ClinVar (database versions not stated): gnomAD exomes below 0.00001; TOPMed 0.00005.
gnomAD v4.1: 6 of 1,613,940 alleles (0.00037%); highest among the groups gnomAD compares: East Asian, 0.0022%; no homozygotes.

Submissions (2):

Ambry Genetics
Classification: Uncertain significance for Inborn genetic diseases. Last evaluated: 2025-12-02. Review status: criteria provided, single submitter. Criteria: Ambry Variant Classification Scheme 2023. Collection method: clinical testing. Allele origin: germline.

Labcorp Genetics (formerly Invitae), Labcorp
Classification: Uncertain significance for Nemaline myopathy 8. Last evaluated: 2022-05-14. Review status: criteria provided, single submitter. Criteria: Invitae Variant Classification Sherloc (09022015). Collection method: clinical testing. Allele origin: germline.
Comment: This sequence change replaces arginine, which is basic and polar, with histidine, which is basic and polar, at codon 427 of the KLHL40 protein (p.Arg427His). This variant is present in population databases (rs796080082, gnomAD 0.006%). This variant has not been reported in the literature in individuals affected with KLHL40-related conditions. Algorithms developed to predict the effect of missense changes on protein structure and function (SIFT, PolyPhen-2, Align-GVGD) all suggest that this variant is likely to be tolerated. In summary, the available evidence is currently insufficient to determine the role of this variant in disease. Therefore, it has been classified as a Variant of Uncertain Significance.